The following is an entry in ClinVar:

NM_024577.4(SH3TC2):c.566C>T (p.Pro189Leu)

Gene: SH3TC2 (SH3 domain and tetratricopeptide repeats 2; minus strand). Cytogenetic location: 5q32.
Variant type: single nucleotide variant.
Coding change: c.566C>T on transcript NM_024577.4 (MANE Select); coding-DNA position 566, C replaced by T.
Protein change: p.Pro189Leu; replaces proline 189 with leucine.
Molecular consequence: missense variant.
Genome position (GRCh38, 1-based): chr5:149,041,581, G>A on the plus strand (C>T on the coding strand, the complement: SH3TC2 is on the minus strand). VCF-style: chr5-149041581-G-A. GRCh37 (hg19) VCF-style: chr5-148421144-G-A.
Other names: short protein forms P189L.
Identifiers: ClinVar variation 2034546 (VCV002034546.3), dbSNP rs1411960923, ClinGen allele CA361674748.

ClinVar aggregate classification (germline): Uncertain significance. Review status: criteria provided, multiple submitters, no conflicts (2 of 4 stars). 2 submissions from 2 submitters: Uncertain significance (2). Last evaluated 2025-10-06.

Conditions:
Charcot-Marie-Tooth disease type 4. Also called: Charcot-Marie-Tooth disease, type IV; Charcot-Marie-Tooth, Type 4. Identifiers: Orphanet 64749, MedGen C4082197, MONDO:0018995.
Inborn genetic diseases. Identifiers: MedGen C0950123, MeSH D030342.

Allele frequency attached by ClinVar (database versions not stated): gnomAD exomes below 0.00001; gnomAD 0.00001; TOPMed below 0.00001.
gnomAD v4.1: 2 of 1,614,080 alleles (0.00012%); highest among the groups gnomAD compares: Non-Finnish European, 0.00017%; no homozygotes.

Submissions (2):

Labcorp Genetics (formerly Invitae), Labcorp
Classification: Uncertain significance for Charcot-Marie-Tooth disease type 4. Last evaluated: 2025-10-06. Review status: criteria provided, single submitter. Criteria: Invitae Variant Classification Sherloc (09022015). Collection method: clinical testing. Allele origin: germline.
Comment: This sequence change replaces proline, which is neutral and non-polar, with leucine, which is neutral and non-polar, at codon 189 of the SH3TC2 protein (p.Pro189Leu). This variant is not present in population databases (gnomAD no frequency). This variant has not been reported in the literature in individuals affected with SH3TC2-related conditions. ClinVar contains an entry for this variant (Variation ID: 2034546). Invitae Evidence Modeling of protein sequence and biophysical properties (such as structural, functional, and spatial information, amino acid conservation, physicochemical variation, residue mobility, and thermodynamic stability) indicates that this missense variant is not expected to disrupt SH3TC2 protein function with a negative predictive value of 95%. In summary, the available evidence is currently insufficient to determine the role of this variant in disease. Therefore, it has been classified as a Variant of Uncertain Significance.

Ambry Genetics
Classification: Uncertain significance for Inborn genetic diseases. Last evaluated: 2022-10-12. Review status: criteria provided, single submitter. Criteria: Ambry Variant Classification Scheme 2023. Collection method: clinical testing. Allele origin: germline.